The following is an entry in ClinVar:

ClinVar aggregate classification (germline): Uncertain significance (1 of 4 stars; one submission).

Conditions:
Inborn genetic diseases. Identifiers: MedGen C0950123, MeSH D030342.

Submission:

Ambry Genetics
Classification: Uncertain significance for Inborn genetic diseases. Last evaluated: 2024-11-15. Review status: criteria provided, single submitter. Criteria: Ambry Variant Classification Scheme 2023. Collection method: clinical testing. Allele origin: germline.
Comment: The p.A100D variant (also known as c.299C>A), located in coding exon 3 of the MDH2 gene, results from a C to A substitution at nucleotide position 299. The alanine at codon 100 is replaced by aspartic acid, an amino acid with dissimilar properties. This amino acid position is conserved. In addition, this alteration is predicted to be deleterious by in silico analysis. Based on the available evidence, the clinical significance of this variant remains unclear.

NM_005918.4(MDH2):c.299C>A (p.Ala100Asp)

Gene: MDH2 (malate dehydrogenase 2; plus strand). Cytogenetic location: 7q11.23.
Variant type: single nucleotide variant.
Coding change: c.299C>A on transcript NM_005918.4 (MANE Select); coding-DNA position 299, C replaced by A.
Protein change: p.Ala100Asp; replaces alanine 100 with aspartic acid.
Molecular consequence: missense variant. On other transcripts: 5 prime UTR variant (1).
Genome position (GRCh38, 1-based): chr7:76,057,473, C>A. VCF-style: chr7-76057473-C-A. GRCh37 (hg19) VCF-style: chr7-75686791-C-A.
Other names: c.299C>A, p.Ala100Asp (NM_001282403.2); c.-23C>A (NM_001282404.2); short protein forms A100D.
Identifiers: ClinVar variation 3394084 (VCV003394084.1).